The following is an entry in ClinVar:

NM_001330288.2(SMARCC2):c.1341del (p.Glu448fs)

Gene: SMARCC2 (SWI/SNF related BAF chromatin remodeling complex subunit C2; minus strand). Cytogenetic location: 12q13.2.
Variant type: Deletion.
Coding change: c.1341del on transcript NM_001330288.2 (MANE Select); coding-DNA position 1341, one base deleted (C; older notation c.1341delC).
Protein change: p.Glu448fs; shifts the reading frame from glutamic acid 448.
Molecular consequence: frameshift variant.
Genome position (GRCh38, 1-based): chr12:56,178,063, G deleted on the plus strand (C on the coding strand, the reverse complement: SMARCC2 is on the minus strand); the first of 4 consecutive G bases (chr12:56,178,063-56,178,066); deleting any one gives the same sequence. VCF-style (leftmost placement, unchanged base first): chr12-56178062-CG-C. GRCh37 (hg19) VCF-style: chr12-56571846-CG-C.
Other names: c.1341del, p.Glu448fs (NM_001130420.3, NM_003075.5, NM_139067.4); short protein forms E448fs.
Identifiers: ClinVar variation 3775160 (VCV003775160.1).

ClinVar aggregate classification (germline): Likely pathogenic (1 of 4 stars; one submission).

Conditions:
Coffin-Siris syndrome 8. Identifiers: MedGen C5193054, MONDO:0032702, OMIM 618362.

Submission:

Institute of Human Genetics, University of Goettingen
Classification: Likely pathogenic for Coffin-Siris syndrome 8. Last evaluated: 2024-08-01. Review status: criteria provided, single submitter. Criteria: ACMG Guidelines, 2015. Collection method: clinical testing. Allele origin: unknown. Inheritance: Autosomal dominant inheritance. Affected: yes. Observed: 1 heterozygote.
Comment: The variant c.1341del (p.(Glu448Serfs*22)) in exon 15 of the SMARCC2-gene is not found in the gnomAD database. The variation generates a 'Frameshift' as coding effect. The frameshift starts at codon Glu448. The new reading frame ends in a STOP codon at position 22. ACMG criteria used for classification: PVS1, PM2_sup